The following is an entry in ClinVar:

NM_182476.3(COQ6):c.782C>T (p.Pro261Leu)

Genes: ENTPD5 (ectonucleoside triphosphate diphosphohydrolase 5; minus strand), COQ6 (coenzyme Q6, monooxygenase; plus strand). Cytogenetic location: 14q24.3.
Variant type: single nucleotide variant.
Coding change: c.782C>T on transcript NM_182476.3 (MANE Select); coding-DNA position 782, C replaced by T.
Protein change: p.Pro261Leu; replaces proline 261 with leucine.
Molecular consequence: missense variant. On other transcripts: 3 prime UTR variant (3), intron variant (2).
Genome position (GRCh38, 1-based): chr14:73,959,223, C>T. VCF-style: chr14-73959223-C-T. GRCh37 (hg19) VCF-style: chr14-74425926-C-T.
Other names: p.Pro261Leu; c.782C>T, p.Pro261Leu (NM_001425255.1, NM_001425256.1); c.617C>T, p.Pro206Leu (NM_001425257.1); c.707C>T, p.Pro236Leu (NM_001425258.1, NM_182480.3); c.557C>T, p.Pro186Leu (NM_001425259.1, NM_001425260.1, NM_001425261.1); c.527C>T, p.Pro176Leu (NM_001425262.1); c.455C>T, p.Pro152Leu (NM_001425263.1); c.242C>T, p.Pro81Leu (NM_001425264.1, NM_001425265.1); and 3 more; short protein forms P261L, P236L.
Identifiers: ClinVar variation 807582 (VCV000807582.21), dbSNP rs371260604, ClinGen allele CA7264304.
Genomic context (GRCh38, chr14:73,959,223, plus strand): 5'-CCACAGAAAACAACGTAGCCTGGCAGAGATTTCTTCCCTCTGGGCCTATTGCTCTGCTCC[C>T]GGTAAGAGGTCCTTCTGACCAGTCCGCCCACATGCATGCAAGCCTTTCCTCTTCACTTTC-3'
Protein context (NP_872282.1, residues 251-271): FLPSGPIALL[Pro261Leu]LSDTLSSLVW

ClinVar aggregate classification (germline): Pathogenic/Likely pathogenic. Review status: criteria provided, multiple submitters, no conflicts (2 of 4 stars). 8 submissions from 8 submitters: Pathogenic (6); Likely pathogenic (1). 1 of the submissions does not count toward it. Last evaluated 2026-04-09.

Conditions:
COQ6-related disorder. Also called: COQ6-related condition.
Familial steroid-resistant nephrotic syndrome with sensorineural deafness. Identifiers: Orphanet 280406, MedGen C3553349, MONDO:0013836, OMIM 614650.

Allele frequency attached by ClinVar (database versions not stated): ExAC 0.00005; TOPMed 0.00006; ESP Exome Variant Server 0.00023; gnomAD 0.00011.
gnomAD v4.1: 151 of 1,614,094 alleles (0.0094%); highest among the groups gnomAD compares: Non-Finnish European, 0.012%; no homozygotes.

Submissions (8):

PreventionGenetics, part of Exact Sciences
Classification: Pathogenic for COQ6-related condition. Last evaluated: 2026-04-09. Review status: criteria provided, single submitter. Criteria: ACMG Guidelines, 2015. Collection method: clinical testing. Allele origin: germline.
Comment: The COQ6 c.782C>T variant is predicted to result in the amino acid substitution p.Pro261Leu. This variant has been reported in the compound heterozygous or homozygous state in many unrelated individuals with autosomal recessive primary coenzyme Q10 deficiency 6 (Park et al 2017. PubMed ID: 28117207; Gigante M et al 2017. PubMed ID: 28044327; Nakanishi K et al 2018. PubMed ID: 30584653; Nagano C et al 2020. PubMed ID: 31937884).  This variant is reported in 0.010% of alleles in individuals of East Asian descent in gnomAD. This variant is interpreted as pathogenic.

Labcorp Genetics (formerly Invitae), Labcorp
Classification: Pathogenic. Last evaluated: 2025-10-13. Review status: criteria provided, single submitter. Criteria: Invitae Variant Classification Sherloc (09022015). Collection method: clinical testing. Allele origin: germline.
Comment: This sequence change replaces proline, which is neutral and non-polar, with leucine, which is neutral and non-polar, at codon 261 of the COQ6 protein (p.Pro261Leu). This variant is present in population databases (rs371260604, gnomAD 0.01%). This missense change has been observed in individual(s) with clinical features of coenzyme Q10 deficiency (PMID: 28044327, 28117207, 30584653, 31937884). In at least one individual the data is consistent with being in trans (on the opposite chromosome) from a pathogenic variant. ClinVar contains an entry for this variant (Variation ID: 807582). An algorithm developed to predict the effect of missense changes on protein structure and function (PolyPhen-2) suggests that this variant is likely to be disruptive. For these reasons, this variant has been classified as Pathogenic.

Dasa
Classification: Likely pathogenic. Last evaluated: 2025-07-01. Review status: criteria provided, single submitter. Criteria: DASA Assertion Criteria. Collection method: clinical testing. Allele origin: germline.
Comment: NM_182476.3(COQ6):c.782C>T (p.Pro261Leu) is a missense variant that results in the substitution of proline with leucine. This variant has been recurrently observed in individuals with COQ6-related disorders (PMID: 28044327; PMID: 28117207; PMID: 30584653; PMID: 31937884). Functional evidence supports an impact on the gene or gene product (PMID: 28044327; PMID: 28117207; PMID: 30584653; PMID: 31937884). Also, this variant is rare in population databases. Based on the currently available evidence, this variant is classified as likely pathogenic.

Mayo Clinic Laboratories, Mayo Clinic
Classification: Pathogenic. Last evaluated: 2025-02-05. Review status: criteria provided, single submitter. Criteria: ACMG Guidelines, 2015. Collection method: clinical testing. Allele origin: germline. Observed: 1 variant allele.
Comment: PP3, PM3_very_strong, PS4_moderate

GeneDx
Classification: Pathogenic. Last evaluated: 2023-08-26. Review status: criteria provided, single submitter. Criteria: GeneDx Variant Classification Process June 2021. Collection method: clinical testing. Allele origin: germline. Affected: yes.
Comment: Published functional studies involving transfection of P261L into COQ6 deficient yeast failed to rescue growth and mitochondrial complex II and III activity (Gigante et al., 2017); Not observed at a significant frequency in large population cohorts (gnomAD); In silico analysis supports that this missense variant has a deleterious effect on protein structure/function; This variant is associated with the following publications: (PMID: 31937884, 30232548, 28044327, 28117207, 30584653, 35483523, 36245711)

Institute of Human Genetics Munich, TUM University Hospital
Classification: Pathogenic for Familial steroid-resistant nephrotic syndrome with sensorineural deafness. Last evaluated: 2019-06-07. Review status: criteria provided, single submitter. Criteria: Classification criteria August 2017. Collection method: clinical testing. Allele origin: germline. Inheritance: Autosomal recessive inheritance. Affected: yes. Observed: 1 homozygote.

Juno Genomics, Hangzhou Juno Genomics, Inc
Classification: Pathogenic for Familial steroid-resistant nephrotic syndrome with sensorineural deafness. Review status: criteria provided, single submitter. Criteria: ACMG Guidelines, 2015. Collection method: clinical testing. Allele origin: germline.
Comment: Absent from controls (or at extremely low frequency if recessive) in Genome Aggregation Database.;Multiple lines of computational evidence support a deleterious effect on the gene or gene product.;For recessive disorders, detected in trans with a pathogenic variant.

OMIM
Classification: Pathogenic for COENZYME Q10 DEFICIENCY, PRIMARY, 6. Last evaluated: 2021-01-04. Review status: no assertion criteria provided. Collection method: literature only. Allele origin: germline. Not counted in ClinVar's aggregate classification.

Literature cited by the submitters: PubMed 28044327 (cited by 3 submitters); PubMed 28117207 (cited by 4 submitters); PubMed 30584653 (cited by 3 submitters); PubMed 31937884 (cited by 3 submitters); PubMed 30682496 (cited by Mayo Clinic Laboratories, Mayo Clinic); PubMed 31308072 (cited by Mayo Clinic Laboratories, Mayo Clinic); PubMed 35111204 (cited by Mayo Clinic Laboratories, Mayo Clinic); PubMed 35483523 (cited by Mayo Clinic Laboratories, Mayo Clinic); PubMed 36124066 (cited by Mayo Clinic Laboratories, Mayo Clinic); PubMed 36245711 (cited by Mayo Clinic Laboratories, Mayo Clinic).